The following is an entry in ClinVar:

NM_001130987.2(DYSF):c.5842C>T (p.Gln1948Ter)

Gene: DYSF (dysferlin; plus strand). Cytogenetic location: 2p13.2.
Variant type: single nucleotide variant.
Coding change: c.5842C>T on transcript NM_001130987.2 (MANE Select); coding-DNA position 5842, C replaced by T.
Protein change: p.Gln1948Ter; replaces glutamine 1948 with a stop codon.
Molecular consequence: nonsense.
Genome position (GRCh38, 1-based): chr2:71,674,254, C>T. VCF-style: chr2-71674254-C-T. GRCh37 (hg19) VCF-style: chr2-71901384-C-T.
Other names: c.5728C>T, p.Gln1910Ter (NM_001130455.2); c.5683C>T, p.Gln1895Ter (NM_001130976.2); c.5746C>T, p.Gln1916Ter (NM_001130977.2); c.5788C>T, p.Gln1930Ter (NM_001130978.2); c.5818C>T, p.Gln1940Ter (NM_001130979.2); c.5776C>T, p.Gln1926Ter (NM_001130980.2); c.5839C>T, p.Gln1947Ter (NM_001130981.2); c.5821C>T, p.Gln1941Ter (NM_001130982.2); and 6 more; short protein forms Q1895*, Q1896*, Q1909*, Q1910*, Q1916*, Q1917*, Q1926*, Q1927*.
Identifiers: ClinVar variation 689584 (VCV000689584.4), dbSNP rs1573138313, ClinGen allele CA347225264.

ClinVar aggregate classification (germline): Likely pathogenic. Review status: criteria provided, multiple submitters, no conflicts (2 of 4 stars). 3 submissions from 3 submitters: Likely pathogenic (2). 1 of the submissions does not count toward it. Last evaluated 2025-11-03.

Conditions:
Miyoshi muscular dystrophy 1 (MMD1). Identifiers: Orphanet 45448, MedGen C4551973, MONDO:0024545, OMIM 254130.
Autosomal recessive limb-girdle muscular dystrophy type 2B (LGMDR2). Also called: Limb-girdle muscular dystrophy, type 2B; MUSCULAR DYSTROPHY, LIMB-GIRDLE, AUTOSOMAL RECESSIVE 2; Limb-Girdle Muscular Dystrophy Type 2B (LGMD2B); MUSCULAR DYSTROPHY, LIMB-GIRDLE, TYPE 3. Identifiers: Orphanet 268, MedGen C1850889, MONDO:0009676, OMIM 253601.
Distal lower limb muscle weakness. Identifiers: MedGen C1836450, HP:0009053.

Allele frequency attached by ClinVar (database versions not stated): gnomAD exomes 0.00001.
gnomAD v4.1: 7 of 1,614,220 alleles (0.00043%); highest among the groups gnomAD compares: East Asian, 0.0022%; no homozygotes.

Submissions (3):

Natera, Inc.
Classification: Likely pathogenic for Limb-girdle muscular dystrophy type 2B. Last evaluated: 2025-11-03. Review status: criteria provided, single submitter. Criteria: Natera Variant Classification Schema (03/2026). Collection method: clinical testing. Allele origin: germline.
Comment: The c.5725C>T variant in DYSF is a nonsense variant predicted to introduce a stop codon at amino acid 1909. This variant is expected to result in nonsense mediated decay, truncation, or a dysfunctional protein product. This variant is rare in the general population with a frequency below the threshold expected for the associated phenotype(s). Given the available evidence, this variant is classified as Likely Pathogenic.

Baylor Genetics
Classification: Likely pathogenic for Miyoshi muscular dystrophy 1. Last evaluated: 2024-02-06. Review status: criteria provided, single submitter. Criteria: ACMG Guidelines, 2015. Collection method: clinical testing. Allele origin: unknown.

Institute of Human Genetics, University of Wuerzburg
Classification: Likely pathogenic for Distal lower limb muscle weakness. Review status: no assertion criteria provided. Collection method: clinical testing. Allele origin: unknown. Not counted in ClinVar's aggregate classification.